The following is an entry in ClinVar:

NM_139343.3(BIN1):c.1156G>A (p.Glu386Lys)

Gene: BIN1 (bridging integrator 1; minus strand). Cytogenetic location: 2q14.3.
Variant type: single nucleotide variant.
Coding change: c.1156G>A on transcript NM_139343.3 (MANE Select); coding-DNA position 1156, G replaced by A.
Protein change: p.Glu386Lys; replaces glutamic acid 386 with lysine.
Molecular consequence: missense variant. On other transcripts: intron variant (12).
Genome position (GRCh38, 1-based): chr2:127,053,988, C>T on the plus strand (G>A on the coding strand, the complement: BIN1 is on the minus strand). VCF-style: chr2-127053988-C-T. GRCh37 (hg19) VCF-style: chr2-127811564-C-T.
Other names: c.1063G>A, p.Glu355Lys (NM_001320641.2); c.1075G>A, p.Glu359Lys (NM_001320642.1); c.1027G>A, p.Glu343Lys (NM_139344.3); c.838-3076G>A (NM_001320634.1); c.910-3076G>A (NM_139351.3); c.910-2745G>A (NM_139350.3); c.910-1626G>A (NM_139349.3); c.1039-2745G>A (NM_139348.3); and 8 more; short protein forms E343K, E355K, E359K, E386K.
Identifiers: ClinVar variation 1350249 (VCV001350249.10), dbSNP rs1268978517, ClinGen allele CA348377121.

ClinVar aggregate classification (germline): Uncertain significance. Review status: criteria provided, multiple submitters, no conflicts (2 of 4 stars). 2 submissions from 2 submitters: Uncertain significance (2). Last evaluated 2026-03-31.

Conditions:
Inborn genetic diseases. Identifiers: MedGen C0950123, MeSH D030342.
Myopathy, centronuclear, 2 (CNM2). Also called: MYOTUBULAR MYOPATHY, AUTOSOMAL RECESSIVE. Identifiers: Orphanet 169186, MedGen CN031787, MONDO:0009709, OMIM 255200.

Allele frequency attached by ClinVar (database versions not stated): gnomAD exomes below 0.00001 and 0.00001.
gnomAD v4.1: 1 of 1,551,368 alleles (0.000064%); highest among the groups gnomAD compares: Non-Finnish European, 0.000087%; no homozygotes.

Submissions (2):

Ambry Genetics
Classification: Uncertain significance for Inborn genetic diseases. Last evaluated: 2026-03-31. Review status: criteria provided, single submitter. Criteria: Ambry Variant Classification Scheme 2023. Collection method: clinical testing. Allele origin: germline.
Comment: The c.1156G>A (p.E386K) alteration is located in exon 13 (coding exon 13) of the BIN1 gene. This alteration results from a G to A substitution at nucleotide position 1156, causing the glutamic acid (E) at amino acid position 386 to be replaced by a lysine (K). Based on data from gnomAD, the A allele has an overall frequency of 0.001% (1/156426) total alleles studied. The highest observed frequency was 0.002% (1/60474) of European (non-Finnish) alleles. This amino acid position is highly conserved in available vertebrate species. This alteration is predicted to be tolerated by in silico analysis. Based on insufficient or conflicting evidence, the clinical significance of this alteration remains unclear.

Labcorp Genetics (formerly Invitae), Labcorp
Classification: Uncertain significance for Myopathy, centronuclear, 2. Last evaluated: 2025-06-12. Review status: criteria provided, single submitter. Criteria: Invitae Variant Classification Sherloc (09022015). Collection method: clinical testing. Allele origin: germline.
Comment: This sequence change replaces glutamic acid, which is acidic and polar, with lysine, which is basic and polar, at codon 386 of the BIN1 protein (p.Glu386Lys). The frequency data for this variant in the population databases is considered unreliable, as metrics indicate poor data quality at this position in the gnomAD database. This variant has not been reported in the literature in individuals affected with BIN1-related conditions. ClinVar contains an entry for this variant (Variation ID: 1350249). An algorithm developed to predict the effect of missense changes on protein structure and function (PolyPhen-2) suggests that this variant is likely to be tolerated. In summary, the available evidence is currently insufficient to determine the role of this variant in disease. Therefore, it has been classified as a Variant of Uncertain Significance.